The following is an entry in ClinVar:

NM_002497.4(NEK2):c.544T>C (p.Tyr182His)

Gene: NEK2 (NIMA related kinase 2; minus strand). Cytogenetic location: 1q32.3.
Variant type: single nucleotide variant.
Coding change: c.544T>C on transcript NM_002497.4 (MANE Select); coding-DNA position 544, T replaced by C.
Protein change: p.Tyr182His; replaces tyrosine 182 with histidine.
Molecular consequence: missense variant.
Genome position (GRCh38, 1-based): chr1:211,673,494, A>G on the plus strand (T>C on the coding strand, the complement: NEK2 is on the minus strand). VCF-style: chr1-211673494-A-G. GRCh37 (hg19) VCF-style: chr1-211846836-A-G.
Other names: c.544T>C, p.Tyr182His (NM_001204182.2, NM_001204183.2); short protein forms Y182H.
Identifiers: ClinVar variation 1373540 (VCV001373540.8), dbSNP rs2102447095, ClinGen allele CA344783102.
Genomic context (GRCh38, chr1:211,673,494, plus strand): 5'-ACAAAAATAAAAGATGTTTTAAAAAGTAGCTAAATTCTGAAATACTTACAGGAGACATGT[A>G]ATAAGGTGTGCCAACAAATGTTTTTGCAAAACTCGTGTCATGGTTTAATATTCTAGCTAG-3'
Protein context (NP_002488.1, residues 172-192): FAKTFVGTPY[Tyr182His]MSPEQMNRMS

ClinVar aggregate classification (germline): Uncertain significance (1 of 4 stars; one submission).

Allele frequency attached by ClinVar (database versions not stated): gnomAD exomes 0.00001.
gnomAD v4.1: 7 of 1,613,984 alleles (0.00043%); highest among the groups gnomAD compares: Non-Finnish European, 0.00059%; no homozygotes.

Submission:

Labcorp Genetics (formerly Invitae), Labcorp
Classification: Uncertain significance. Last evaluated: 2022-10-04. Review status: criteria provided, single submitter. Criteria: Invitae Variant Classification Sherloc (09022015). Collection method: clinical testing. Allele origin: germline.
Comment: In summary, the available evidence is currently insufficient to determine the role of this variant in disease. Therefore, it has been classified as a Variant of Uncertain Significance. Algorithms developed to predict the effect of missense changes on protein structure and function are either unavailable or do not agree on the potential impact of this missense change (SIFT: "Deleterious"; PolyPhen-2: "Probably Damaging"; Align-GVGD: "Class C0"). ClinVar contains an entry for this variant (Variation ID: 1373540). This variant has not been reported in the literature in individuals affected with NEK2-related conditions. This variant is not present in population databases (gnomAD no frequency). This sequence change replaces tyrosine, which is neutral and polar, with histidine, which is basic and polar, at codon 182 of the NEK2 protein (p.Tyr182His).